The following is an entry in ClinVar:

NM_001128.6(AP1G1):c.456_459del (p.Ser151_Tyr152insTer)

Gene: AP1G1 (adaptor related protein complex 1 subunit gamma 1; minus strand). Cytogenetic location: 16q22.2.
Variant type: Microsatellite.
Coding change: c.456_459del on transcript NM_001128.6 (MANE Select); coding-DNA positions 456 to 459, 4 bases deleted (CTTA; older notation c.456_459delCTTA).
Protein change: p.Ser151_Tyr152insTer.
Molecular consequence: nonsense.
Genome position (GRCh38, 1-based): chr16:71,773,230-71,773,233, TAAG deleted on the plus strand (CTTA on the coding strand, the reverse complement: AP1G1 is on the minus strand); deleting any 4 consecutive bases within chr16:71,773,230-71,773,237 gives the same sequence; the c. name uses the placement nearest the transcript's 3' end. VCF-style (leftmost placement, unchanged base first): chr16-71773229-TTAAG-T. GRCh37 (hg19) VCF-style: chr16-71807132-TTAAG-T.
Other names: c.456_459del, p.Ser151_Tyr152insTer (NM_001030007.2).
Identifiers: ClinVar variation 3368492 (VCV003368492.1).

ClinVar aggregate classification (germline): Uncertain significance (1 of 4 stars; one submission).

Submission:

GeneDx
Classification: Uncertain significance. Last evaluated: 2024-01-29. Review status: criteria provided, single submitter. Criteria: GeneDx Variant Classification Process June 2021. Collection method: clinical testing. Allele origin: germline. Affected: yes.
Comment: Not observed at significant frequency in large population cohorts (gnomAD); Nonsense variant predicted to result in protein truncation or nonsense mediated decay in a gene or region of a gene for which loss of function is not a well-established mechanism of disease; Has not been previously published as pathogenic or benign to our knowledge; Variants in candidate genes are classified as variants of uncertain significance in accordance with ACMG guidelines (PMID: 25741868)